The following is an entry in ClinVar:

ClinVar aggregate classification (germline): Uncertain significance. Review status: criteria provided, multiple submitters, no conflicts (2 of 4 stars). 2 submissions from 2 submitters: Uncertain significance (2). Last evaluated 2025-04-09.

Conditions:
Cardiovascular phenotype. Identifiers: MedGen CN230736.
Myofibrillar myopathy 6. Identifiers: Orphanet 199340, MedGen C2751831, MONDO:0013061, OMIM 612954.
Dilated cardiomyopathy 1HH (CMD1HH). Identifiers: Orphanet 154, MedGen C3151293, MONDO:0013479, OMIM 613881.

Submissions (2):

Molecular Diagnostic Laboratory for Inherited Cardiovascular Disease, Montreal Heart Institute
Classification: Uncertain significance for Cardiovascular phenotype. Last evaluated: 2025-04-09. Review status: criteria provided, single submitter. Criteria: ACMG Guidelines, 2015. Collection method: clinical testing. Allele origin: germline. Affected: yes.
Comment: PM2

Labcorp Genetics (formerly Invitae), Labcorp
Classification: Uncertain significance for Dilated cardiomyopathy 1HH; Myofibrillar myopathy 6. Last evaluated: 2023-11-15. Review status: criteria provided, single submitter. Criteria: Invitae Variant Classification Sherloc (09022015). Collection method: clinical testing. Allele origin: germline.
Comment: This sequence change affects codon 238 of the BAG3 mRNA. It is a 'silent' change, meaning that it does not change the encoded amino acid sequence of the BAG3 protein. This variant is not present in population databases (gnomAD no frequency). This variant has not been reported in the literature in individuals affected with BAG3-related conditions. ClinVar contains an entry for this variant (Variation ID: 2188223). Algorithms developed to predict the effect of sequence changes on RNA splicing suggest that this variant may disrupt the consensus splice site. In summary, the available evidence is currently insufficient to determine the role of this variant in disease. Therefore, it has been classified as a Variant of Uncertain Significance.

NM_004281.4(BAG3):c.714G>T (p.Gly238=)

Gene: BAG3 (BAG cochaperone 3; plus strand). Cytogenetic location: 10q26.11.
Variant type: single nucleotide variant.
Coding change: c.714G>T on transcript NM_004281.4 (MANE Select); coding-DNA position 714, G replaced by T.
Protein change: p.Gly238=; no amino-acid change (glycine 238 retained).
Molecular consequence: synonymous variant.
Genome position (GRCh38, 1-based): chr10:119,672,461, G>T. VCF-style: chr10-119672461-G-T. GRCh37 (hg19) VCF-style: chr10-121431973-G-T.
Identifiers: ClinVar variation 2188223 (VCV002188223.5), dbSNP rs377183466, ClinGen allele CA471739939.